The following is an entry in ClinVar:

NM_000492.4(CFTR):c.4319C>G (p.Ala1440Gly)

Genes: CFTR (CF transmembrane conductance regulator; plus strand), LOC111674477 (CFTR intron 23 enhancer; plus strand). Cytogenetic location: 7q31.2.
Variant type: single nucleotide variant.
Coding change: c.4319C>G on transcript NM_000492.4 (MANE Select); coding-DNA position 4319, C replaced by G.
Protein change: p.Ala1440Gly; replaces alanine 1440 with glycine.
Molecular consequence: missense variant.
Genome position (GRCh38, 1-based): chr7:117,666,984, C>G. VCF-style: chr7-117666984-C-G. GRCh37 (hg19) VCF-style: chr7-117307038-C-G.
Other names: short protein forms A1440G.
Identifiers: ClinVar variation 1739675 (VCV001739675.2), dbSNP rs2485185655, ClinGen allele CA368984825.
Genomic context (GRCh38, chr7:117,666,984, plus strand): 5'-AAGTGCGGCAGTACGATTCCATCCAGAAACTGCTGAACGAGAGGAGCCTCTTCCGGCAAG[C>G]CATCAGCCCCTCCGACAGGGTGAAGCTCTTTCCCCACCGGAACTCAAGCAAGTGCAAGTC-3'
Protein context (NP_000483.3, residues 1430-1450): LLNERSLFRQ[Ala1440Gly]ISPSDRVKLF

ClinVar aggregate classification (germline): Uncertain significance (1 of 4 stars; one submission).

Conditions:
Cystic fibrosis (CF). Also called: MUCOVISCIDOSIS. Identifiers: Orphanet 586, MedGen C0010674, MONDO:0009061, OMIM 219700. Disease mechanism: loss of function.

Submission:

Ambry Genetics
Classification: Uncertain significance for Cystic fibrosis. Last evaluated: 2021-11-10. Review status: criteria provided, single submitter. Criteria: Ambry Variant Classification Scheme 2023. Collection method: clinical testing. Allele origin: germline.
Comment: The p.A1440G variant (also known as c.4319C>G), located in coding exon 27 of the CFTR gene, results from a C to G substitution at nucleotide position 4319. The alanine at codon 1440 is replaced by glycine, an amino acid with similar properties. This amino acid position is conserved. In addition, the in silico prediction for this alteration is inconclusive. Since supporting evidence is limited at this time, the clinical significance of this alteration remains unclear.